The following is an entry in ClinVar:

ClinVar aggregate classification (germline): Uncertain significance (1 of 4 stars; one submission).

gnomAD v4.1: 67 of 1,612,192 alleles (0.0042%); highest among the groups gnomAD compares: Non-Finnish European, 0.0054%; no homozygotes.

Submission:

Labcorp Genetics (formerly Invitae), Labcorp
Classification: Uncertain significance. Last evaluated: 2025-07-20. Review status: criteria provided, single submitter. Criteria: Invitae Variant Classification Sherloc (09022015). Collection method: clinical testing. Allele origin: germline.
Comment: This sequence change replaces threonine, which is neutral and polar, with alanine, which is neutral and non-polar, at codon 11 of the RUNX2 protein (p.Thr11Ala). This variant is present in population databases (rs746275240, gnomAD 0.005%). This variant has not been reported in the literature in individuals affected with RUNX2-related conditions. An algorithm developed to predict the effect of missense changes on protein structure and function (PolyPhen-2) suggests that this variant is likely to be disruptive. In summary, the available evidence is currently insufficient to determine the role of this variant in disease. Therefore, it has been classified as a Variant of Uncertain Significance.

NM_001024630.4(RUNX2):c.31A>G (p.Thr11Ala)

Genes: RUNX2 (RUNX family transcription factor 2; plus strand), SUPT3H (SPT3 homolog, SAGA and STAGA complex component; minus strand). Cytogenetic location: 6p21.1.
Variant type: single nucleotide variant.
Coding change: c.31A>G on transcript NM_001024630.4 (MANE Select); coding-DNA position 31, A replaced by G.
Protein change: p.Thr11Ala; replaces threonine 11 with alanine.
Molecular consequence: missense variant. On other transcripts: non-coding transcript variant (2), intron variant (8).
Genome position (GRCh38, 1-based): chr6:45,328,757, A>G. VCF-style: chr6-45328757-A-G. GRCh37 (hg19) VCF-style: chr6-45296494-A-G.
Other names: c.31A>G, p.Thr11Ala (NM_001015051.4); c.-51-5790T>C (NM_181356.3, NM_001350326.2); c.101+36444T>C (NM_001350329.2, NM_001350325.2, NM_003599.4 and 1 more transcripts); c.-73+36444T>C (NM_001350327.2); c.-265+36444T>C (NM_001261823.2); short protein forms T11A.
Identifiers: ClinVar variation 4773410 (VCV004773410.1).